The following is an entry in ClinVar:

ClinVar aggregate classification (germline): other (0 of 4 stars; one submission).

Conditions:
Familial colorectal cancer. Identifiers: MedGen CN280943, MONDO:0023113. Disease mechanism: loss of function.

Submission:

Systems Biology Platform Zhejiang California International NanoSystems Institute
Classification: other for Familial colorectal cancer. Review status: no assertion criteria provided. Collection method: not provided. Allele origin: unknown.
ClinVar note: Converted during submission from cancer to other.

NM_000038.6(APC):c.-19+694G>T

Gene: APC (APC regulator of WNT signaling pathway; plus strand). Cytogenetic location: 5q22.2.
Variant type: single nucleotide variant.
Coding change: c.-19+694G>T on transcript NM_000038.6 (MANE Select); 694 bases into the intron after 19 bases upstream of the start codon, G replaced by T.
Molecular consequence: intron variant.
Genome position (GRCh38, 1-based): chr5:112,738,619, G>T. VCF-style: chr5-112738619-G-T. GRCh37 (hg19) VCF-style: chr5-112074316-G-T.
Other names: c.-18-16254G>T (NM_001354895.2); c.166-27707G>T (NM_001354897.2, NM_001354902.2, NM_001127511.3); c.-19+159G>T (NM_001127510.3); c.60+159G>T (NM_001354898.2, NM_001354904.2); c.-1054+694G>T (NM_001354906.2); c.-19+694G>T (NM_001354896.2, NM_001354903.2, NM_001354899.2); c.-43+694G>T (NM_001354900.2, NM_001354901.2, NM_001354905.2).
Identifiers: ClinVar variation 82743 (VCV000082743.2), dbSNP rs79522969, ClinGen allele CA006955.